The following is an entry in ClinVar:

ClinVar aggregate classification (germline): Uncertain significance (1 of 4 stars; one submission).

Submission:

Labcorp Genetics (formerly Invitae), Labcorp
Classification: Uncertain significance. Last evaluated: 2023-08-30. Review status: criteria provided, single submitter. Criteria: Invitae Variant Classification Sherloc (09022015). Collection method: clinical testing. Allele origin: germline.
Comment: This missense change has been observed in individual(s) with clinical features of CDH23-related conditions (Invitae). In summary, the available evidence is currently insufficient to determine the role of this variant in disease. Therefore, it has been classified as a Variant of Uncertain Significance. Advanced modeling of protein sequence and biophysical properties (such as structural, functional, and spatial information, amino acid conservation, physicochemical variation, residue mobility, and thermodynamic stability) has been performed at Invitae for this missense variant, however the output from this modeling did not meet the statistical confidence thresholds required to predict the impact of this variant on CDH23 protein function. ClinVar contains an entry for this variant (Variation ID: 1360038). This variant is not present in population databases (gnomAD no frequency). This sequence change replaces aspartic acid, which is acidic and polar, with glutamic acid, which is acidic and polar, at codon 2322 of the CDH23 protein (p.Asp2322Glu).

NM_022124.6(CDH23):c.6966C>A (p.Asp2322Glu)

Gene: CDH23 (cadherin related 23; plus strand). Cytogenetic location: 10q22.1.
Variant type: single nucleotide variant.
Coding change: c.6966C>A on transcript NM_022124.6 (MANE Select); coding-DNA position 6966, C replaced by A.
Protein change: p.Asp2322Glu; replaces aspartic acid 2322 with glutamic acid.
Molecular consequence: missense variant.
Genome position (GRCh38, 1-based): chr10:71,798,490, C>A. VCF-style: chr10-71798490-C-A. GRCh37 (hg19) VCF-style: chr10-73558247-C-A.
Other names: c.246C>A, p.Asp82Glu (NM_001171933.1, NM_001171934.1); short protein forms D2322E, D82E.
Identifiers: ClinVar variation 1360038 (VCV001360038.7), dbSNP rs1382045512, ClinGen allele CA377158081.
Genomic context (GRCh38, chr10:71,798,490, plus strand): 5'-GGAGCGGATCCTGGAGGGGGCCACCCCTGGGACCACACTCATTGCTGTGGCAGCCGTGGA[C>A]CCTGACAAGGGCCTTAATGGGCTGGTCACCTACACCCTGCTGGACCTGGTGCCCCCAGGG-3'
Protein context (NP_071407.4, residues 2312-2332): GTTLIAVAAV[Asp2322Glu]PDKGLNGLVT